The following is an entry in ClinVar:

ClinVar aggregate classification (germline): Uncertain significance (1 of 4 stars; one submission).

Allele frequency attached by ClinVar (database versions not stated): TOPMed below 0.00001.

Submission:

GeneDx
Classification: Uncertain significance. Last evaluated: 2017-12-01. Review status: criteria provided, single submitter. Criteria: GeneDx Variant Classification (06012015). Collection method: clinical testing. Allele origin: germline. Affected: yes.
Comment: A variant of uncertain significance has been identified in the MFAP5 gene. The Q36X variant has not been published as pathogenic or been reported as benign to our knowledge. This variant is not observed in large population cohorts (Lek et al., 2016). The Q36X variant is predicted to cause loss of normal protein function either by protein truncation or nonsense-mediated mRNA decay. A missense variant and different nonsense variant (R158X) in MFAP5 have been found to segregate with disease in their respective families, and functional studies indicate these variants result in loss of function (Barbier et al., 2014). Nonetheless, the precise mechanism by which heterozygous loss of function of the MFAP5 gene may cause disease remains unclear.

NM_003480.4(MFAP5):c.106C>T (p.Gln36Ter)

Gene: MFAP5 (microfibril associated protein 5; minus strand). Cytogenetic location: 12p13.31.
Variant type: single nucleotide variant.
Coding change: c.106C>T on transcript NM_003480.4 (MANE Select); coding-DNA position 106, C replaced by T.
Protein change: p.Gln36Ter; replaces glutamine 36 with a stop codon.
Molecular consequence: nonsense. On other transcripts: non-coding transcript variant (2).
Genome position (GRCh38, 1-based): chr12:8,655,819, G>A on the plus strand (C>T on the coding strand, the complement: MFAP5 is on the minus strand). VCF-style: chr12-8655819-G-A. GRCh37 (hg19) VCF-style: chr12-8808415-G-A.
Other names: c.106C>T, p.Gln36Ter (NM_001297709.2, NM_001297711.2, NM_001297712.2); c.70C>T, p.Gln24Ter (NM_001297710.2); short protein forms Q36*, Q24*.
Identifiers: ClinVar variation 489182 (VCV000489182.2), dbSNP rs1555139286, ClinGen allele CA384039539.